The following is an entry in ClinVar:

NM_004817.4(TJP2):c.3322-47_3322-4del

Gene: TJP2 (tight junction protein 2; plus strand). Cytogenetic location: 9q21.11.
Variant type: Deletion.
Coding change: c.3322-47_3322-4del on transcript NM_004817.4 (MANE Select); 47 bases into the intron before coding-DNA position 3322 through 4 bases into the intron before coding-DNA position 3322, 44 bases deleted.
Molecular consequence: intron variant.
Genome position (GRCh38, 1-based): chr9:69,252,768-69,252,811, 44 bases deleted; deleting any 44 consecutive bases within chr9:69,252,765-69,252,811 gives the same sequence; the c. name uses the placement nearest the transcript's 3' end. GRCh37 (hg19): chr9:71,867,684-71,867,727.
Other names: c.2812-47_2812-4del (NM_001170414.2); c.3247-47_3247-4del (NM_001369870.1); c.3253-47_3253-4del (NM_001369871.1); c.2881-47_2881-4del (NM_201629.3); c.3211-47_3211-4del (NM_001369872.1); c.2998-47_2998-4del (NM_001369873.1); c.3223-47_3223-4del (NM_001170415.1); c.3415-47_3415-4del (NM_001170416.2); and 2 more.
Identifiers: ClinVar variation 4819510 (VCV004819510.1).
Genomic context (GRCh38, chr9:69,252,764, plus strand): 5'-GGGAAAATAAGTAGGATATGGGGAAAGGGTGGGACCAGCAGGAAACCAGCAAGCAGAGTG[CCCAGTGGTTCATTCTTTCACTCTTATTCTTTTCTTTTTTAATTA>C]CCACAGATCGAAATTGCCCAGAAGCATCCTGATATCTATGCAGTTCCAATCAAAACGCAC-3'

ClinVar aggregate classification (germline): Uncertain significance (1 of 4 stars; one submission).

Submission:

GeneDx
Classification: Uncertain significance. Last evaluated: 2025-10-01. Review status: criteria provided, single submitter. Criteria: GeneDx Variant Classification Process June 2021. Collection method: clinical testing. Allele origin: germline. Affected: yes.
Comment: Not observed at significant frequency in large population cohorts (gnomAD); In silico analysis supports a deleterious effect on splicing; Has not been previously published as pathogenic or benign to our knowledge